The following is an entry in ClinVar:

NC_000021.8:g.(?_27347363)_(27542938_?)dup

Gene: APP (amyloid beta precursor protein; minus strand). Cytogenetic location: 21q21.3.
Variant type: Duplication.
Identifiers: ClinVar variation 3248140 (VCV003248140.1).

ClinVar aggregate classification (germline): Uncertain significance (1 of 4 stars; one submission).

Conditions:
Alzheimer disease. Also called: Presenile and senile dementia; Alzheimer's disease. Identifiers: Orphanet 1020, MedGen C0002395, MeSH D000544, MONDO:0004975, HP:0002511.

Submission:

Labcorp Genetics (formerly Invitae), Labcorp
Classification: Uncertain significance for Alzheimer disease. Last evaluated: 2023-10-26. Review status: criteria provided, single submitter. Criteria: Invitae Variant Classification Sherloc (09022015). Collection method: clinical testing. Allele origin: unknown.
Comment: This variant results in a copy number gain of the genomic region encompassing exon(s) 1-11 of the APP gene. This region includes the initiator codon of the gene. This copy number gain extends beyond the assayed region for this gene and therefore may encompass additional genes. As the precise location of this event is unknown, it may be in tandem or it may be located elsewhere in the genome. This variant has not been reported in the literature in individuals affected with APP-related conditions. Experimental studies and prediction algorithms are not available or were not evaluated, and the functional significance of this variant is currently unknown. In summary, the available evidence is currently insufficient to determine the role of this variant in disease. Therefore, it has been classified as a Variant of Uncertain Significance.